The following is an entry in ClinVar:

NM_016734.3(PAX5):c.237G>T (p.Lys79Asn)

Gene: PAX5 (paired box 5; minus strand). Cytogenetic location: 9p13.2.
Variant type: single nucleotide variant.
Coding change: c.237G>T on transcript NM_016734.3 (MANE Select); coding-DNA position 237, G replaced by T.
Protein change: p.Lys79Asn; replaces lysine 79 with asparagine.
Molecular consequence: missense variant. On other transcripts: 5 prime UTR variant (2), non-coding transcript variant (2), intron variant (1).
Genome position (GRCh38, 1-based): chr9:37,015,170, C>A on the plus strand (G>T on the coding strand, the complement: PAX5 is on the minus strand). VCF-style: chr9-37015170-C-A. GRCh37 (hg19) VCF-style: chr9-37015167-C-A.
Other names: c.237G>T, p.Lys79Asn (NM_001280547.2, NM_001280548.2, NM_001280549.2 and 4 more transcripts); c.-88G>T (NM_001280551.2, NM_001280556.2); c.212+5466G>T (NM_001280555.2); short protein forms K79N.
Identifiers: ClinVar variation 4626949 (VCV004626949.1).

ClinVar aggregate classification (germline): Uncertain significance (1 of 4 stars; one submission).

Conditions:
Inborn genetic diseases. Identifiers: MedGen C0950123, MeSH D030342.

Submission:

Ambry Genetics
Classification: Uncertain significance for Inborn genetic diseases. Last evaluated: 2025-10-22. Review status: criteria provided, single submitter. Criteria: Ambry Variant Classification Scheme 2023. Collection method: clinical testing. Allele origin: germline.
Comment: The p.K79N variant (also known as c.237G>T), located in coding exon 3 of the PAX5 gene, results from a G to T substitution at nucleotide position 237. The lysine at codon 79 is replaced by asparagine, an amino acid with similar properties. This amino acid position is conserved. In addition, the in silico prediction for this alteration is inconclusive. Based on the available evidence, the clinical significance of this variant remains unclear.